The following is an entry in ClinVar:

NM_003719.5(PDE8B):c.-23G>T

Gene: PDE8B (phosphodiesterase 8B; plus strand). Cytogenetic location: 5q13.3.
Variant type: single nucleotide variant.
Coding change: c.-23G>T on transcript NM_003719.5 (MANE Select); 23 bases upstream of the start codon, G replaced by T.
Molecular consequence: 5 prime UTR variant. On other transcripts: intron variant (14).
Genome position (GRCh38, 1-based): chr5:77,210,903, G>T. VCF-style: chr5-77210903-G-T. GRCh37 (hg19) VCF-style: chr5-76506728-G-T.
Other names: c.-23G>T (NM_001029851.4, NM_001029852.4, NM_001029853.4 and 7 more transcripts); c.36+30417G>T (NM_001349750.3, NM_001376069.1, NM_001376062.1 and 7 more transcripts); c.-336-56G>T (NM_001349753.2); c.-34+857G>T (NM_001376067.1, NM_001376075.1); c.-31+857G>T (NM_001376068.1).
Identifiers: ClinVar variation 354143 (VCV000354143.5), dbSNP rs574193520, ClinGen allele CA3314786.

ClinVar aggregate classification (germline): Benign (1 of 4 stars; one submission).

Conditions:
Autosomal dominant striatal neurodegeneration type 1. Identifiers: Orphanet 228169, MedGen C4310808, MONDO:0012205, OMIM 609161.

Allele frequency attached by ClinVar (database versions not stated): 1000 Genomes Project 0.00160; gnomAD exomes 0.00160 and 0.00439; 1000 Genomes Project 30x 0.00203; gnomAD 0.00249; TOPMed 0.00267; ExAC 0.00378.
gnomAD v4.1: 5,436 of 1,306,022 alleles (0.42%); highest among the groups gnomAD compares: Non-Finnish European, 0.49%; 12 homozygotes.

Submission:

Illumina Laboratory Services, Illumina
Classification: Benign for Autosomal dominant striatal neurodegeneration type 1. Last evaluated: 2018-01-13. Review status: criteria provided, single submitter. Criteria: ICSL Variant Classification Criteria 13 December 2019. Collection method: clinical testing. Allele origin: germline.
Comment: This variant was observed in the ICSL laboratory as part of a predisposition screen in an ostensibly healthy population. It had not been previously curated by ICSL or reported in the Human Gene Mutation Database (HGMD: prior to June 1st, 2018), and was therefore a candidate for classification through an automated scoring system. Utilizing variant allele frequency, disease prevalence and penetrance estimates, and inheritance mode, an automated score was calculated to assess if this variant is too frequent to cause the disease. Based on the score and internal cut-off values, a variant classified as benign is not then subjected to further curation. The score for this variant resulted in a classification of benign for this disease.